The following is an entry in ClinVar:

ClinVar aggregate classification (germline): Pathogenic (1 of 4 stars; one submission).

Submission:

CeGaT Center for Human Genetics Tuebingen
Classification: Pathogenic. Last evaluated: 2026-09-01. Review status: criteria provided, single submitter. Criteria: CeGaT Center For Human Genetics Tuebingen Variant Classification Criteria Version 2. Collection method: clinical testing. Allele origin: germline. Affected: yes. Observed: 1 variant allele.
Comment: NOTCH2: PVS1, PM2

NM_024408.4(NOTCH2):c.2246G>A (p.Trp749Ter)

Gene: NOTCH2 (notch receptor 2; minus strand). Cytogenetic location: 1p12.
Variant type: single nucleotide variant.
Coding change: c.2246G>A on transcript NM_024408.4 (MANE Select); coding-DNA position 2246, G replaced by A.
Protein change: p.Trp749Ter; replaces tryptophan 749 with a stop codon.
Molecular consequence: nonsense.
Genome position (GRCh38, 1-based): chr1:119,953,662, C>T on the plus strand (G>A on the coding strand, the complement: NOTCH2 is on the minus strand). VCF-style: chr1-119953662-C-T. GRCh37 (hg19) VCF-style: chr1-120496285-C-T.
Other names: c.2246G>A, p.Trp749Ter (NM_001200001.2); short protein forms W749*.
Identifiers: ClinVar variation 5041592 (VCV005041592.1).
Genomic context (GRCh38, chr1:119,953,662, plus strand): 5'-CCATTCTGGCATGGATTCGAAAGGCATTCATTTTTGTCCACTTCACAGTTGATGCCAACC[C>T]AGCCTGCATCACAGAGACACTTATATCTGAAAGAAGACAAAACTTTTTACTATAGGAGGT-3'